The following is an entry in ClinVar:

NM_015915.5(ATL1):c.1047+4T>C

Gene: ATL1 (atlastin GTPase 1; plus strand). Cytogenetic location: 14q22.1.
Variant type: single nucleotide variant.
Coding change: c.1047+4T>C on transcript NM_015915.5 (MANE Select); 4 bases into the intron after coding-DNA position 1047, T replaced by C.
Molecular consequence: intron variant.
Genome position (GRCh38, 1-based): chr14:50,621,903, T>C. VCF-style: chr14-50621903-T-C. GRCh37 (hg19) VCF-style: chr14-51088621-T-C.
Other names: c.1047+4T>C (NM_001127713.1, NM_181598.4).
Identifiers: ClinVar variation 3005485 (VCV003005485.3), dbSNP rs2504560553, ClinGen allele CA2740097076.
Genomic context (GRCh38, chr14:50,621,903, plus strand): 5'-GCTTATATAAAGATCTATCAAGGTGAAGAATTACCACATCCCAAATCCATGTTACAGGTA[T>C]TTATTAATGAGGAGGCATGTTTTAAGACACGTGACTAAGGCTAAGATTTCTGGCTGTCAG-3'

ClinVar aggregate classification (germline): Uncertain significance (1 of 4 stars; one submission).

Conditions:
Hereditary spastic paraplegia 3A (SPG3A). Also called: SPASTIC PARAPLEGIA 3, AUTOSOMAL DOMINANT; FAMILIAL SPASTIC PARAPLEGIA, AUTOSOMAL DOMINANT, 1; SPG3; STRUMPELL DISEASE; Spastic Paraplegia 3A; Spastic paraplegia 3A, autosomal dominant. Identifiers: Orphanet 100984, MedGen C2931355, MONDO:0008437, OMIM 182600.

Submission:

Labcorp Genetics (formerly Invitae), Labcorp
Classification: Uncertain significance for Hereditary spastic paraplegia 3A. Last evaluated: 2023-09-13. Review status: criteria provided, single submitter. Criteria: Invitae Variant Classification Sherloc (09022015). Collection method: clinical testing. Allele origin: germline.
Comment: This variant is not present in population databases (gnomAD no frequency). In summary, the available evidence is currently insufficient to determine the role of this variant in disease. Therefore, it has been classified as a Variant of Uncertain Significance. Variants that disrupt the consensus splice site are a relatively common cause of aberrant splicing (PMID: 17576681, 9536098). Algorithms developed to predict the effect of sequence changes on RNA splicing suggest that this variant is not likely to affect RNA splicing. This variant has not been reported in the literature in individuals affected with ATL1-related conditions. This sequence change falls in intron 10 of the ATL1 gene. It does not directly change the encoded amino acid sequence of the ATL1 protein. It affects a nucleotide within the consensus splice site.

Literature cited by the submitters: PubMed 17576681; PubMed 9536098.